The following is an entry in ClinVar:

ClinVar aggregate classification (germline): Uncertain significance (1 of 4 stars; one submission).

Allele frequency attached by ClinVar (database versions not stated): gnomAD exomes below 0.00001.

Submission:

GeneDx
Classification: Uncertain significance. Last evaluated: 2021-04-22. Review status: criteria provided, single submitter. Criteria: GeneDx Variant Classification Process June 2021. Collection method: clinical testing. Allele origin: germline. Affected: yes.
Comment: Not observed in large population cohorts (Lek et al., 2016); Frameshift variant predicted to cause a protein extension as the last 27 amino acids are replaced with 39 different amino acids; Has not been previously published as pathogenic or benign to our knowledge

NM_000142.5(FGFR3):c.2337del (p.Ser780fs)

Gene: FGFR3 (fibroblast growth factor receptor 3; plus strand). Cytogenetic location: 4p16.3.
Variant type: Deletion.
Coding change: c.2337del on transcript NM_000142.5 (MANE Select); coding-DNA position 2337, one base deleted (C; older notation c.2337delC).
Protein change: p.Ser780fs; shifts the reading frame from serine 780.
Molecular consequence: frameshift variant. On other transcripts: non-coding transcript variant (1).
Genome position (GRCh38, 1-based): chr4:1,807,178, C deleted. VCF-style (leftmost placement, unchanged base first): chr4-1807177-GC-G. GRCh37 (hg19) VCF-style: chr4-1808904-GC-G.
Other names: c.2343del, p.Ser782fs (NM_001163213.2); c.2340del, p.Ser781fs (NM_001354809.2); c.2269del, p.Leu757fs (NM_001354810.2); c.2001del, p.Ser668fs (NM_022965.4); short protein forms L757fs, S668fs, S780fs, S781fs, S782fs.
Identifiers: ClinVar variation 1314866 (VCV001314866.2), dbSNP rs2108817655, ClinGen allele CA2573052319.